The following is an entry in ClinVar:

NM_001048174.2(MUTYH):c.1099T>C (p.Ser367Pro)

Gene: MUTYH (mutY DNA glycosylase; minus strand). Cytogenetic location: 1p34.1.
Variant type: single nucleotide variant.
Coding change: c.1099T>C on transcript NM_001048174.2 (MANE Select); coding-DNA position 1099, T replaced by C.
Protein change: p.Ser367Pro; replaces serine 367 with proline.
Molecular consequence: missense variant. On other transcripts: non-coding transcript variant (7).
Genome position (GRCh38, 1-based): chr1:45,331,664, A>G on the plus strand (T>C on the coding strand, the complement: MUTYH is on the minus strand). VCF-style: chr1-45331664-A-G. GRCh37 (hg19) VCF-style: chr1-45797336-A-G.
Other names: c.1102T>C, p.Ser368Pro (NM_001407071.1, NM_001407078.1, NM_001407086.1 and 1 more transcripts); c.1099T>C, p.Ser367Pro (NM_001407072.1, NM_001407073.1, NM_001407081.1 and 6 more transcripts); c.1015T>C, p.Ser339Pro (NM_001407075.1); c.1132T>C, p.Ser378Pro (NM_001407077.1, NM_001293191.2, NM_001407069.1); c.1060T>C, p.Ser354Pro (NM_001407079.1); c.1057T>C, p.Ser353Pro (NM_001407080.1); c.754T>C, p.Ser252Pro (NM_001407082.1, NM_001350650.2, NM_001350651.2); c.1141T>C, p.Ser381Pro (NM_001407083.1, NM_001407085.1); and 5 more; short protein forms S275P, S353P, S368P, S374P, S392P, S395P, S381P, S382P.
Identifiers: ClinVar variation 4113083 (VCV004113083.1).

ClinVar aggregate classification (germline): Uncertain significance (1 of 4 stars; one submission).

Conditions:
Hereditary cancer-predisposing syndrome. Also called: Tumor predisposition; Neoplastic Syndromes, Hereditary; Hereditary neoplastic syndrome; Hereditary Cancer Syndrome. Identifiers: Orphanet 140162, MedGen C0027672, MeSH D009386, MONDO:0015356.

Submission:

Ambry Genetics
Classification: Uncertain significance for Hereditary cancer-predisposing syndrome. Last evaluated: 2025-08-27. Review status: criteria provided, single submitter. Criteria: Ambry Variant Classification Scheme 2023. Collection method: clinical testing. Allele origin: germline.
Comment: The p.S395P variant (also known as c.1183T>C), located in coding exon 12 of the MUTYH gene, results from a T to C substitution at nucleotide position 1183. The serine at codon 395 is replaced by proline, an amino acid with similar properties. This amino acid position is conserved. In addition, the in silico prediction for this alteration is inconclusive. Based on the available evidence, the clinical significance of this variant remains unclear.